The following is an entry in ClinVar:

NM_001136193.2(FASTKD2):c.1112T>C (p.Leu371Pro)

Gene: FASTKD2 (FAST kinase domains 2; plus strand). Cytogenetic location: 2q33.3.
Variant type: single nucleotide variant.
Coding change: c.1112T>C on transcript NM_001136193.2 (MANE Select); coding-DNA position 1112, T replaced by C.
Protein change: p.Leu371Pro; replaces leucine 371 with proline.
Molecular consequence: missense variant.
Genome position (GRCh38, 1-based): chr2:206,772,015, T>C. VCF-style: chr2-206772015-T-C. GRCh37 (hg19) VCF-style: chr2-207636739-T-C.
Other names: c.1112T>C, p.Leu371Pro (NM_001136194.2, NM_014929.4); short protein forms L371P.
Identifiers: ClinVar variation 1713767 (VCV001713767.3), dbSNP rs2468815569, ClinGen allele CA350077883.
Genomic context (GRCh38, chr2:206,772,015, plus strand): 5'-TACTAGCTGCCATGAATCACCGATCTCTTATACTCCTGGATGAATGCAGTAAGGTGGTCC[T>C]AGGTAAGAGGAATTTTTCTTTCATCATTTGCAATACCTGAGCTTCTGTTTTAGACTATTT-3'
Protein context (NP_001129665.1, residues 361-381): ILLDECSKVV[Leu371Pro]DNIHGCPLRI

ClinVar aggregate classification (germline): Uncertain significance (1 of 4 stars; one submission).

Allele frequency attached by ClinVar (database versions not stated): gnomAD exomes below 0.00001.
gnomAD v4.1: 1 of 1,613,874 alleles (0.000062%); highest among the groups gnomAD compares: African/African-American, 0.0013%; no homozygotes.

Submission:

Labcorp Genetics (formerly Invitae), Labcorp
Classification: Uncertain significance. Last evaluated: 2022-07-25. Review status: criteria provided, single submitter. Criteria: Invitae Variant Classification Sherloc (09022015). Collection method: clinical testing. Allele origin: germline.
Comment: This sequence change replaces leucine, which is neutral and non-polar, with proline, which is neutral and non-polar, at codon 371 of the FASTKD2 protein (p.Leu371Pro). This variant is not present in population databases (gnomAD no frequency). This variant has not been reported in the literature in individuals affected with FASTKD2-related conditions. Algorithms developed to predict the effect of missense changes on protein structure and function are either unavailable or do not agree on the potential impact of this missense change (SIFT: "Deleterious"; PolyPhen-2: "Benign"; Align-GVGD: "Class C0"). In summary, the available evidence is currently insufficient to determine the role of this variant in disease. Therefore, it has been classified as a Variant of Uncertain Significance.